The following is an entry in ClinVar:

NM_020806.5(GPHN):c.1738G>A (p.Val580Ile)

Gene: GPHN (gephyrin; plus strand). Cytogenetic location: 14q23.3.
Variant type: single nucleotide variant.
Coding change: c.1738G>A on transcript NM_020806.5 (MANE Select); coding-DNA position 1738, G replaced by A.
Protein change: p.Val580Ile; replaces valine 580 with isoleucine.
Molecular consequence: missense variant.
Genome position (GRCh38, 1-based): chr14:67,122,367, G>A. VCF-style: chr14-67122367-G-A. GRCh37 (hg19) VCF-style: chr14-67589084-G-A.
Other names: c.1639G>A, p.Val547Ile (NM_001024218.2); c.1798G>A, p.Val600Ile (NM_001377514.1); c.1768G>A, p.Val590Ile (NM_001377515.1); c.1759G>A, p.Val587Ile (NM_001377516.1); c.1711G>A, p.Val571Ile (NM_001377517.1); c.1696G>A, p.Val566Ile (NM_001377518.1); c.1678G>A, p.Val560Ile (NM_001377519.1); short protein forms V560I, V580I, V547I, V571I, V566I, V600I, V587I, V590I.
Identifiers: ClinVar variation 936298 (VCV000936298.9), dbSNP rs1204402891, ClinGen allele CA390259359.

ClinVar aggregate classification (germline): Uncertain significance (1 of 4 stars; one submission).

Conditions:
Sulfite oxidase deficiency due to molybdenum cofactor deficiency type C. Also called: Molybdenum cofactor deficiency, complementation group C; Molybdenum cofactor deficiency C. Identifiers: Orphanet 308400, Orphanet 833, MedGen C1854990, MONDO:0014212, OMIM 615501.

Submission:

Labcorp Genetics (formerly Invitae), Labcorp
Classification: Uncertain significance for Sulfite oxidase deficiency due to molybdenum cofactor deficiency type C. Last evaluated: 2019-09-17. Review status: criteria provided, single submitter. Criteria: Invitae Variant Classification Sherloc (09022015). Collection method: clinical testing. Allele origin: germline.
Comment: In summary, the available evidence is currently insufficient to determine the role of this variant in disease. Therefore, it has been classified as a Variant of Uncertain Significance. Algorithms developed to predict the effect of missense changes on protein structure and function (SIFT, PolyPhen-2, Align-GVGD) all suggest that this variant is likely to be tolerated, but these predictions have not been confirmed by published functional studies and their clinical significance is uncertain. This variant has not been reported in the literature in individuals with GPHN-related conditions. This variant is not present in population databases (ExAC no frequency). This sequence change replaces valine with isoleucine at codon 580 of the GPHN protein (p.Val580Ile). The valine residue is highly conserved and there is a small physicochemical difference between valine and isoleucine.